The following is an entry in ClinVar:

NM_000264.5(PTCH1):c.2691C>G (p.Ile897Met)

Gene: PTCH1 (patched 1; minus strand). Cytogenetic location: 9q22.32.
Variant type: single nucleotide variant.
Coding change: c.2691C>G on transcript NM_000264.5 (MANE Select); coding-DNA position 2691, C replaced by G.
Protein change: p.Ile897Met; replaces isoleucine 897 with methionine.
Molecular consequence: missense variant. On other transcripts: non-coding transcript variant (1).
Genome position (GRCh38, 1-based): chr9:95,461,868, G>C on the plus strand (C>G on the coding strand, the complement: PTCH1 is on the minus strand). VCF-style: chr9-95461868-G-C. GRCh37 (hg19) VCF-style: chr9-98224150-G-C.
Other names: c.2493C>G, p.Ile831Met (NM_001083602.3); c.2688C>G, p.Ile896Met (NM_001083603.3); c.2238C>G, p.Ile746Met (NM_001083604.3, NM_001083605.3, NM_001083606.3 and 1 more transcripts); c.2535C>G, p.Ile845Met (NM_001354918.2); short protein forms I845M, I896M, I746M, I831M, I897M.
Identifiers: ClinVar variation 821678 (VCV000821678.5), dbSNP rs1055193050, ClinGen allele CA374113302.
Genomic context (GRCh38, chr9:95,461,868, plus strand): 5'-CGGCCCCGCAGCCCTGGAAGCGCCCTCAGTGCCCAGCAGCTGGAGTACCTGGCTGATGTC[G>C]ATGGGCTTATCGCGGCTGCCGGTTTGCACCAGGAGTTTGTAGGCAAGGACTCCATCGTCT-3'
Protein context (NP_000255.2, residues 887-907): LVQTGSRDKP[Ile897Met]DISQLTKQRL

ClinVar aggregate classification (germline): Uncertain significance (1 of 4 stars; one submission).

Conditions:
Hereditary cancer-predisposing syndrome. Also called: Tumor predisposition; Hereditary Cancer Syndrome; Neoplastic Syndromes, Hereditary; Hereditary neoplastic syndrome. Identifiers: Orphanet 140162, MedGen C0027672, MeSH D009386, MONDO:0015356.

Submission:

Ambry Genetics
Classification: Uncertain significance for Hereditary cancer-predisposing syndrome. Last evaluated: 2025-12-10. Review status: criteria provided, single submitter. Criteria: Ambry Variant Classification Scheme 2023. Collection method: clinical testing. Allele origin: germline.
Comment: The p.I897M variant (also known as c.2691C>G), located in coding exon 16 of the PTCH1 gene, results from a C to G substitution at nucleotide position 2691. The isoleucine at codon 897 is replaced by methionine, an amino acid with highly similar properties. This amino acid position is well conserved in available vertebrate species. In addition, the in silico prediction for this alteration is inconclusive. Based on the available evidence, the clinical significance of this variant remains unclear.